The following is an entry in ClinVar:

ClinVar aggregate classification (germline): Conflicting classifications of pathogenicity. Review status: criteria provided, conflicting classifications (1 of 4 stars). 2 submissions from 2 submitters: Pathogenic (1); Uncertain significance (1). Last evaluated 2025-08-22.

Conditions:
Hereditary cancer-predisposing syndrome. Also called: Hereditary Cancer Syndrome; Tumor predisposition; Hereditary neoplastic syndrome; Neoplastic Syndromes, Hereditary. Identifiers: Orphanet 140162, MedGen C0027672, MeSH D009386, MONDO:0015356.

Submissions (2):

Ambry Genetics
Classification: Uncertain significance for Hereditary cancer-predisposing syndrome. Last evaluated: 2025-08-22. Review status: criteria provided, single submitter. Criteria: Ambry Variant Classification Scheme 2023. Collection method: clinical testing. Allele origin: germline.
Comment: The c.1738_1744delCACGCCC variant, located in coding exon 16 of the POLE gene, results from a deletion of 7 nucleotides at nucleotide positions 1738 to 1744, causing a translational frameshift with a predicted alternate stop codon (p.H580Lfs*29). This alteration is expected to result in loss of function by premature protein truncation or nonsense-mediated mRNA decay. Although biallelic loss of function of POLE has been associated with autosomal recessive POLE deficiency, haploinsufficiency of POLE has not been established as a mechanism of disease for POLE-related polymerase proofreading-associated polyposis (PPAP) and POLE-related CMMRD-like syndrome. Based on the supporting evidence, this variant is expected to be causative of POLE deficiency when present along with a second pathogenic variant on the other allele; however, its clinical significance for PPAP and POLE-related CMMRD-like syndrome is unclear.

Labcorp Genetics (formerly Invitae), Labcorp
Classification: Pathogenic. Last evaluated: 2025-07-07. Review status: criteria provided, single submitter. Criteria: Invitae Variant Classification Sherloc (09022015). Collection method: clinical testing. Allele origin: germline.
Comment: This sequence change creates a premature translational stop signal (p.His580Leufs*29) in the POLE gene. It is expected to result in an absent or disrupted protein product. Loss-of-function variants in POLE are known to be pathogenic (PMID: 23230001, 25948378, 30503519). This variant is not present in population databases (gnomAD no frequency). This variant has not been reported in the literature in individuals affected with POLE-related conditions. ClinVar contains an entry for this variant (Variation ID: 1045683). For these reasons, this variant has been classified as Pathogenic.

Literature cited by the submitters: PubMed 23230001 (cited by Labcorp Genetics (formerly Invitae), Labcorp); PubMed 25948378 (cited by Labcorp Genetics (formerly Invitae), Labcorp); PubMed 30503519 (cited by Labcorp Genetics (formerly Invitae), Labcorp).

NM_006231.4(POLE):c.1738_1744del (p.His580fs)

Gene: POLE (DNA polymerase epsilon, catalytic subunit; minus strand). Cytogenetic location: 12q24.33.
Variant type: Deletion.
Coding change: c.1738_1744del on transcript NM_006231.4 (MANE Select); coding-DNA positions 1738 to 1744, 7 bases deleted (CACGCCC; older notation c.1738_1744delCACGCCC).
Protein change: p.His580fs; shifts the reading frame from histidine 580.
Molecular consequence: frameshift variant.
Genome position (GRCh38, 1-based): chr12:132,672,265-132,672,271, GGGCGTG deleted on the plus strand (CACGCCC on the coding strand, the reverse complement: POLE is on the minus strand); deleting any 7 consecutive bases within chr12:132,672,265-132,672,272 gives the same sequence; the c. name uses the placement nearest the transcript's 3' end. VCF-style (leftmost placement, unchanged base first): chr12-132672264-AGGGCGTG-A. GRCh37 (hg19) VCF-style: chr12-133248850-AGGGCGTG-A.
Other names: c.1738_1744delCACGCCC (NM_006231.2); short protein forms H580fs.
Identifiers: ClinVar variation 1045683 (VCV001045683.9), dbSNP rs2042945374, ClinGen allele CA2073001085.